The following is an entry in ClinVar:

ClinVar aggregate classification (germline): Pathogenic (1 of 4 stars; one submission).

Submission:

Labcorp Genetics (formerly Invitae), Labcorp
Classification: Pathogenic. Last evaluated: 2022-08-23. Review status: criteria provided, single submitter. Criteria: Invitae Variant Classification Sherloc (09022015). Collection method: clinical testing. Allele origin: germline.
Comment: For these reasons, this variant has been classified as Pathogenic. ClinVar contains an entry for this variant (Variation ID: 1454885). This variant has not been reported in the literature in individuals affected with PCARE-related conditions. This variant is present in population databases (no rsID available, gnomAD 0.01%). This sequence change creates a premature translational stop signal (p.Ser1090Ilefs*17) in the PCARE gene. It is expected to result in an absent or disrupted protein product. Loss-of-function variants in PCARE are known to be pathogenic (PMID: 20398886, 24339724, 26496393).

Literature cited by the submitters: PubMed 20398886; PubMed 24339724; PubMed 26496393.

NM_001029883.3(PCARE):c.3266dup (p.Ser1090fs)

Gene: PCARE (photoreceptor cilium actin regulator; minus strand). Cytogenetic location: 2p23.2.
Variant type: Duplication.
Coding change: c.3266dup on transcript NM_001029883.3 (MANE Select); coding-DNA position 3266, one base duplicated (C; older notation c.3266dupC).
Protein change: p.Ser1090fs; shifts the reading frame from serine 1090.
Molecular consequence: frameshift variant.
Genome position (GRCh38, 1-based): chr2:29,070,996, G duplicated on the plus strand (C on the coding strand, the reverse complement: PCARE is on the minus strand); the first of 4 consecutive G bases (chr2:29,070,996-29,070,999); duplicating any one gives the same sequence. VCF-style (leftmost placement, unchanged base first): chr2-29070995-T-TG. GRCh37 (hg19) VCF-style: chr2-29293861-T-TG.
Other names: short protein forms S1090fs.
Identifiers: ClinVar variation 1454885 (VCV001454885.6), dbSNP rs138020654, ClinGen allele CA531766647.
Genomic context (GRCh38, chr2:29,070,995, plus strand): 5'-TTGGCTGTCTTCAGAGTCTCTTGTTTCCTTGTGCTCCTGAGAAGGGGACATTGGGGGTGA[T>TG]GGGGAGGGAATCGAGAAAGGGGGGCTTGCTTCTGGGTGCTGGGTTGGGGGGCTGGGGACC-3'